The following is an entry in ClinVar:

NM_007294.4(BRCA1):c.4957G>T (p.Val1653Leu)

Gene: BRCA1 (BRCA1 DNA repair associated; minus strand). Cytogenetic location: 17q21.31.
Variant type: single nucleotide variant.
Coding change: c.4957G>T on transcript NM_007294.4 (MANE Select); coding-DNA position 4957, G replaced by T.
Protein change: p.Val1653Leu; replaces valine 1653 with leucine.
Molecular consequence: missense variant. On other transcripts: non-coding transcript variant (1).
Genome position (GRCh38, 1-based): chr17:43,070,957, C>A on the plus strand (G>T on the coding strand, the complement: BRCA1 is on the minus strand). VCF-style: chr17-43070957-C-A. GRCh37 (hg19) VCF-style: chr17-41222974-C-A.
Other names: c.4744G>T, p.Val1582Leu (NM_001407571.1, NM_001407894.1, NM_001407895.1 and 12 more transcripts); c.5023G>T, p.Val1675Leu (NM_001407581.1, NM_001407582.1); c.5020G>T, p.Val1674Leu (NM_001407583.1, NM_001407585.1, NM_001407587.1 and 1 more transcripts); c.5017G>T, p.Val1673Leu (NM_001407590.1, NM_001407591.1); c.4957G>T, p.Val1653Leu (NM_001407593.1, NM_001407594.1, NM_001407596.1 and 8 more transcripts); c.4954G>T, p.Val1652Leu (NM_001407610.1, NM_001407611.1, NM_001407622.1 and 17 more transcripts); c.4951G>T, p.Val1651Leu (NM_001407627.1, NM_001407628.1, NM_001407629.1 and 14 more transcripts); c.4948G>T, p.Val1650Leu (NM_001407644.1, NM_001407645.1); and 70 more; short protein forms V1653L, V1674L, V549L, V1606L, V1540L, V1604L, V1611L, V1650L.
Identifiers: ClinVar variation 868874 (VCV000868874.24), dbSNP rs80357261, ClinGen allele CA10591609.
Genomic context (GRCh38, chr17:43,070,957, plus strand): 5'-TCATTAGGGAGATACATATGGATACACTCACAAATTCTTCTGGGGTCAGGCCAGACACCA[C>A]CATGGACATTCTTTTGTTGACCCTTTCTGTTGAAGCTGTCAATTCTGGCTTCTCCCTGCT-3'
Protein context (NP_009225.1, residues 1643-1663): TERVNKRMSM[Val1653Leu]VSGLTPEEFM

ClinVar aggregate classification (germline): Conflicting classifications of pathogenicity. Review status: criteria provided, conflicting classifications (1 of 4 stars). 3 submissions from 3 submitters: Likely pathogenic (1); Uncertain significance (1). 1 of the submissions does not count toward it. Last evaluated 2023-07-13.

Conditions:
Hereditary breast ovarian cancer syndrome. Also called: Hereditary breast and ovarian cancer; Hereditary breast and ovarian cancer syndrome (HBOC); Breast and ovarian cancer; Hereditary breast and/or ovarian cancer syndrome; BRCA1- and BRCA2-Associated Hereditary Breast and Ovarian Cancer; Hereditary breast and ovarian cancer syndrome. Identifiers: Orphanet 145, MedGen C0677776, MeSH D061325, MONDO:0003582. Disease mechanism: loss of function.
Gastric cancer. Also called: Malignant tumor of stomach; Stomach cancer. Identifiers: MedGen C0024623, MeSH D013274, MONDO:0001056, OMIM 613659, HP:0012126.
Hereditary cancer-predisposing syndrome. Also called: Neoplastic Syndromes, Hereditary; Tumor predisposition; Hereditary Cancer Syndrome; Hereditary neoplastic syndrome. Identifiers: Orphanet 140162, MedGen C0027672, MeSH D009386, MONDO:0015356.

Allele frequency attached by ClinVar (database versions not stated): gnomAD exomes below 0.00001.
gnomAD v4.1: 2 of 1,614,206 alleles (0.00012%); highest among the groups gnomAD compares: East Asian, 0.0045%; no homozygotes.

Submissions (4):

Ambry Genetics
Classification: Uncertain significance for Hereditary cancer-predisposing syndrome. Last evaluated: 2023-07-13. Review status: criteria provided, single submitter. Criteria: Ambry Variant Classification Scheme 2023. Collection method: clinical testing. Allele origin: germline.
Comment: The p.V1653L variant (also known as c.4957G>T), located in coding exon 14 of the BRCA1 gene, results from a G to T substitution at nucleotide position 4957. The valine at codon 1653 is replaced by leucine, an amino acid with highly similar properties. This alteration was detected in a cohort of 135 Japanese breast and/or ovarian cancer patients (Hirotsu Y et al. Mol Genet Genomic Med, 2015 Mar;3:121-9). One functional study found that this nucleotide substitution is non-functional in a high throughput genome editing haploid cell survival assay (Findlay GM et al. Nature, 2018 Oct;562:217-222). This amino acid position is highly conserved in available vertebrate species. In addition, this alteration is predicted to be deleterious by in silico analysis. Since supporting evidence is limited at this time, the clinical significance of this alteration remains unclear.

Women's Health and Genetics/Laboratory Corporation of America, LabCorp
Classification: Likely pathogenic for Hereditary breast ovarian cancer syndrome. Last evaluated: 2021-04-18. Review status: criteria provided, single submitter. Criteria: LabCorp Variant Classification Summary - May 2015. Collection method: clinical testing. Allele origin: germline.
Comment: Variant summary: BRCA1 c.4957G>T (p.Val1653Leu) results in a conservative amino acid change located in the BRCT domain (IPR001357) of the encoded protein sequence. Three of five in-silico tools predict a benign effect of the variant on protein function. However, a different substitution at the same codon, namely BRCA1, p.V1653M has been reported to impact BRCA1 function suggestive of the functional relevance of this residue. The variant was absent in 250924 control chromosomes. c.4957G>T has been reported in the literature in at-least three individuals of Japanese ancestry affected with Hereditary Breast And Ovarian Cancer Syndrome and at-least one reportedly unaffected Japanese woman control, although the possibility of breast cancer in this control subject cannot be ruled out (example, Hirotsu_2015, Nakagomi_2018, Momozawa_2018, Hirotsu_2020). These data indicate that the variant may be associated with disease. At least one publication reports experimental evidence evaluating an impact on protein function. The most pronounced variant effect results in loss of normal HDR activity (example Findlay_2018). In a cross sectional review of literature, this variant was initially classified as a "VUS" and has recently been re-classified as "Likely Pathogenic" citing the functional study utilized in the context of this evaluation (Hirotsu_2015, Hirotsu_2020, Findlay_2018). No clinical diagnostic laboratories have submitted clinical-significance assessments for this variant to ClinVar after 2014. Based on the evidence outlined above, the variant was classified as likely pathogenic.

Laboratory for Genotyping Development, RIKEN
Classification: Pathogenic for Gastric cancer. Last evaluated: 2021-07-01. Review status: no assertion criteria provided. Collection method: research. Allele origin: germline. Not counted in ClinVar's aggregate classification.

Brotman Baty Institute, University of Washington
No classification provided (evidence only). Condition: Breast-ovarian cancer, familial 1. Review status: no classification provided. Collection method: in vitro. Allele origin: not applicable. Functional consequence: functionally_abnormal. Not counted in ClinVar's aggregate classification.
ClinVar note: "not provided" was previously submitted as the classification for the variant. However, the classification appeared to be based only on an observation of functional data so it was converted to no classification on 2025-07-30.

Literature cited by the submitters: PubMed 25802882 (cited by Ambry Genetics and Women's Health and Genetics/Laboratory Corporation of America, LabCorp); PubMed 30209399 (cited by Ambry Genetics and Women's Health and Genetics/Laboratory Corporation of America, LabCorp); PubMed 29215753 (cited by Women's Health and Genetics/Laboratory Corporation of America, LabCorp); PubMed 30287823 (cited by Women's Health and Genetics/Laboratory Corporation of America, LabCorp); PubMed 32486089 (cited by Women's Health and Genetics/Laboratory Corporation of America, LabCorp); PubMed 36988593 (cited by Laboratory for Genotyping Development, RIKEN).